The following is an entry in ClinVar:

NM_001354483.2(CSGALNACT1):c.1547T>C (p.Ile516Thr)

Gene: CSGALNACT1 (chondroitin sulfate N-acetylgalactosaminyltransferase 1; minus strand). Cytogenetic location: 8p21.3.
Variant type: single nucleotide variant.
Coding change: c.1547T>C on transcript NM_001354483.2 (MANE Select); coding-DNA position 1547, T replaced by C.
Protein change: p.Ile516Thr; replaces isoleucine 516 with threonine.
Molecular consequence: missense variant. On other transcripts: non-coding transcript variant (7).
Genome position (GRCh38, 1-based): chr8:19,405,832, A>G on the plus strand (T>C on the coding strand, the complement: CSGALNACT1 is on the minus strand). VCF-style: chr8-19405832-A-G. GRCh37 (hg19) VCF-style: chr8-19263343-A-G.
Other names: c.1547T>C, p.Ile516Thr (NM_001130518.2, NM_001354475.2, NM_001354476.2 and 18 more transcripts); c.1547T>C (NM_001130518.1); short protein forms I516T.
Identifiers: ClinVar variation 2142937 (VCV002142937.5), dbSNP rs376992666, ClinGen allele CA4653732.
Genomic context (GRCh38, chr8:19,405,832, plus strand): 5'-CTGGGAGTTCATGTTTTTTTGCTACTTGTCTTCTGTTTCTGTTTGCGAAGGTGAGCCTCT[A>G]TCTCGTGCCTGAACACCAGCATGCCCAGCTGGCCGTGGGATGCCTCGTTCATGGCCTTGG-3'
Protein context (NP_001341412.1, residues 506-526): QLGMLVFRHE[Ile516Thr]EAHLRKQKQK

ClinVar aggregate classification (germline): Uncertain significance. Review status: criteria provided, multiple submitters, no conflicts (2 of 4 stars). 2 submissions from 2 submitters: Uncertain significance (2). Last evaluated 2023-12-27.

Conditions:
Inborn genetic diseases. Identifiers: MedGen C0950123, MeSH D030342.

Allele frequency attached by ClinVar (database versions not stated): gnomAD 0.00005; TOPMed 0.00006; ESP Exome Variant Server 0.00008; gnomAD exomes 0.00011.
gnomAD v4.1: 171 of 1,613,806 alleles (0.011%); highest among the groups gnomAD compares: Non-Finnish European, 0.014%; no homozygotes.

Submissions (2):

Ambry Genetics
Classification: Uncertain significance for Inborn genetic diseases. Last evaluated: 2023-12-27. Review status: criteria provided, single submitter. Criteria: Ambry Variant Classification Scheme 2023. Collection method: clinical testing. Allele origin: germline.

Labcorp Genetics (formerly Invitae), Labcorp
Classification: Uncertain significance. Last evaluated: 2022-10-03. Review status: criteria provided, single submitter. Criteria: Invitae Variant Classification Sherloc (09022015). Collection method: clinical testing. Allele origin: germline.
Comment: In summary, the available evidence is currently insufficient to determine the role of this variant in disease. Therefore, it has been classified as a Variant of Uncertain Significance. Algorithms developed to predict the effect of missense changes on protein structure and function (SIFT, PolyPhen-2, Align-GVGD) all suggest that this variant is likely to be tolerated. This variant has not been reported in the literature in individuals affected with CSGALNACT1-related conditions. This variant is present in population databases (rs376992666, gnomAD 0.02%). This sequence change replaces isoleucine, which is neutral and non-polar, with threonine, which is neutral and polar, at codon 516 of the CSGALNACT1 protein (p.Ile516Thr).